The following is an entry in ClinVar:

NM_174889.5(NDUFAF2):c.124A>G (p.Arg42Gly)

Gene: NDUFAF2 (NADH:ubiquinone oxidoreductase complex assembly factor 2; plus strand). Cytogenetic location: 5q12.1.
Variant type: single nucleotide variant.
Coding change: c.124A>G on transcript NM_174889.5 (MANE Select); coding-DNA position 124, A replaced by G.
Protein change: p.Arg42Gly; replaces arginine 42 with glycine.
Molecular consequence: missense variant.
Genome position (GRCh38, 1-based): chr5:60,945,379, A>G. VCF-style: chr5-60945379-A-G. GRCh37 (hg19) VCF-style: chr5-60241206-A-G.
Other names: short protein forms R42G.
Identifiers: ClinVar variation 2900406 (VCV002900406.3), dbSNP rs2531892421, ClinGen allele CA359935718.

ClinVar aggregate classification (germline): Uncertain significance (1 of 4 stars; one submission).

Submission:

Labcorp Genetics (formerly Invitae), Labcorp
Classification: Uncertain significance. Last evaluated: 2022-10-19. Review status: criteria provided, single submitter. Criteria: Invitae Variant Classification Sherloc (09022015). Collection method: clinical testing. Allele origin: germline.
Comment: Algorithms developed to predict the effect of missense changes on protein structure and function are either unavailable or do not agree on the potential impact of this missense change (SIFT: "Tolerated"; PolyPhen-2: "Possibly Damaging"; Align-GVGD: "Class C0"). This variant has not been reported in the literature in individuals affected with NDUFAF2-related conditions. This variant is not present in population databases (gnomAD no frequency). This sequence change replaces arginine, which is basic and polar, with glycine, which is neutral and non-polar, at codon 42 of the NDUFAF2 protein (p.Arg42Gly). In summary, the available evidence is currently insufficient to determine the role of this variant in disease. Therefore, it has been classified as a Variant of Uncertain Significance.